The following is an entry in ClinVar:

NM_004260.4(RECQL4):c.269C>G (p.Pro90Arg)

Gene: RECQL4 (RecQ like helicase 4; minus strand). Cytogenetic location: 8q24.3.
Variant type: single nucleotide variant.
Coding change: c.269C>G on transcript NM_004260.4 (MANE Select); coding-DNA position 269, C replaced by G.
Protein change: p.Pro90Arg; replaces proline 90 with arginine.
Molecular consequence: missense variant. On other transcripts: 5 prime UTR variant (17), non-coding transcript variant (3).
Genome position (GRCh38, 1-based): chr8:144,517,135, G>C on the plus strand (C>G on the coding strand, the complement: RECQL4 is on the minus strand). VCF-style: chr8-144517135-G-C. GRCh37 (hg19) VCF-style: chr8-145742519-G-C.
Other names: c.269C>G, p.Pro90Arg (NM_001413017.1, NM_001413018.1, NM_001413019.1 and 5 more transcripts); c.-452C>G (NM_001413021.1); c.-803C>G (NM_001413022.1, NM_001413023.1, NM_001413037.1 and 3 more transcripts); c.-700C>G (NM_001413024.1, NM_001413035.1); c.140C>G, p.Pro47Arg (NM_001413025.1); c.-865C>G (NM_001413027.1, NM_001413030.1, NM_001413031.1 and 1 more transcripts); c.-528C>G (NM_001413028.1); c.-762C>G (NM_001413032.1); and 2 more; short protein forms P47R, P90R.
Identifiers: ClinVar variation 4152347 (VCV004152347.1).
Genomic context (GRCh38, chr8:144,517,135, plus strand): 5'-TTGAGCCGCTGCCCGTAGTCCGGCACCGAGCCCTGGCGGCTCCGCCCTGGCGTAGACTGT[G>C]GACTCTTGGTCGCAGCCCGATTCAGATGGGGCCCCCAGCAGCGGGGCTCTGGCGCCTGCA-3'
Protein context (NP_004251.4, residues 80-100): PHLNRAATKS[Pro90Arg]QSTPGRSRQG

ClinVar aggregate classification (germline): Uncertain significance (1 of 4 stars; one submission).

Conditions:
Inborn genetic diseases. Identifiers: MedGen C0950123, MeSH D030342.

Submission:

Ambry Genetics
Classification: Uncertain significance for Inborn genetic diseases. Last evaluated: 2025-06-23. Review status: criteria provided, single submitter. Criteria: Ambry Variant Classification Scheme 2023. Collection method: clinical testing. Allele origin: germline.
Comment: The p.P90R variant (also known as c.269C>G), located in coding exon 4 of the RECQL4 gene, results from a C to G substitution at nucleotide position 269. The proline at codon 90 is replaced by arginine, an amino acid with dissimilar properties. This amino acid position is conserved. In addition, this alteration is predicted to be tolerated by in silico analysis. Based on the available evidence, the clinical significance of this variant remains unclear.